The following is an entry in ClinVar:

ClinVar aggregate classification (germline): Conflicting classifications of pathogenicity. Review status: criteria provided, conflicting classifications (1 of 4 stars). 3 submissions from 3 submitters: Uncertain significance (1); Likely benign (2). Last evaluated 2025-01-13.

Conditions:
Inborn genetic diseases. Identifiers: MedGen C0950123, MeSH D030342.

Allele frequency attached by ClinVar (database versions not stated): ExAC 0.00001; gnomAD 0.00003; TOPMed 0.00005.
gnomAD v4.1: 49 of 1,613,930 alleles (0.003%); highest among the groups gnomAD compares: Non-Finnish European, 0.0042%; no homozygotes.

Submissions (3):

Ambry Genetics
Classification: Likely benign for Inborn genetic diseases. Last evaluated: 2025-01-13. Review status: criteria provided, single submitter. Criteria: Ambry Variant Classification Scheme 2023. Collection method: clinical testing. Allele origin: germline.

Labcorp Genetics (formerly Invitae), Labcorp
Classification: Likely benign. Last evaluated: 2023-10-30. Review status: criteria provided, single submitter. Criteria: Invitae Variant Classification Sherloc (09022015). Collection method: clinical testing. Allele origin: germline.

GeneDx
Classification: Uncertain significance. Last evaluated: 2023-09-20. Review status: criteria provided, single submitter. Criteria: GeneDx Variant Classification Process June 2021. Collection method: clinical testing. Allele origin: germline. Affected: yes.
Comment: Not observed at significant frequency in large population cohorts (gnomAD); In silico analysis supports that this variant does not alter splicing; Has not been previously published as pathogenic or benign to our knowledge

NM_016222.4(DDX41):c.1563C>T (p.Gly521=)

Gene: DDX41 (DEAD-box helicase 41; minus strand). Cytogenetic location: 5q35.3.
Variant type: single nucleotide variant.
Coding change: c.1563C>T on transcript NM_016222.4 (MANE Select); coding-DNA position 1563, C replaced by T.
Protein change: p.Gly521=; no amino-acid change (glycine 521 retained).
Molecular consequence: synonymous variant.
Genome position (GRCh38, 1-based): chr5:177,512,380, G>A on the plus strand (C>T on the coding strand, the complement: DDX41 is on the minus strand). VCF-style: chr5-177512380-G-A. GRCh37 (hg19) VCF-style: chr5-176939381-G-A.
Other names: c.1185C>T, p.Gly395= (NM_001321732.2, NM_001321830.2).
Identifiers: ClinVar variation 2580837 (VCV002580837.5), dbSNP rs748983205, ClinGen allele CA3584699.